The following is an entry in ClinVar:

ClinVar aggregate classification (germline): Uncertain significance (1 of 4 stars; one submission).

gnomAD v4.1: 13 of 1,613,246 alleles (0.00081%); highest among the groups gnomAD compares: East Asian, 0.027%; no homozygotes.

Submission:

Labcorp Genetics (formerly Invitae), Labcorp
Classification: Uncertain significance. Last evaluated: 2025-12-10. Review status: criteria provided, single submitter. Criteria: Invitae Variant Classification Sherloc (09022015). Collection method: clinical testing. Allele origin: germline.
Comment: This sequence change replaces proline, which is neutral and non-polar, with histidine, which is basic and polar, at codon 2486 of the ACAN protein (p.Pro2486His). This variant is present in population databases (rs762433371, gnomAD 0.03%). This variant has not been reported in the literature in individuals affected with ACAN-related conditions. ClinVar contains an entry for this variant (Variation ID: 3685304). An algorithm developed to predict the effect of missense changes on protein structure and function (PolyPhen-2) suggests that this variant is likely to be disruptive. In summary, the available evidence is currently insufficient to determine the role of this variant in disease. Therefore, it has been classified as a Variant of Uncertain Significance.

NM_001369268.1(ACAN):c.7571C>A (p.Pro2524His)

Gene: ACAN (aggrecan; plus strand). Cytogenetic location: 15q26.1.
Variant type: single nucleotide variant.
Coding change: c.7571C>A on transcript NM_001369268.1 (MANE Select); coding-DNA position 7571, C replaced by A.
Protein change: p.Pro2524His; replaces proline 2524 with histidine.
Molecular consequence: missense variant. On other transcripts: intron variant (1).
Genome position (GRCh38, 1-based): chr15:88,873,965, C>A. VCF-style: chr15-88873965-C-A. GRCh37 (hg19) VCF-style: chr15-89417196-C-A.
Other names: c.7343C>A, p.Pro2448His (NM_001411096.1); c.7457C>A, p.Pro2486His (NM_001411097.1, NM_013227.4); c.7220-440C>A (NM_001135.4); short protein forms P2524H, P2448H, P2486H.
Identifiers: ClinVar variation 3685304 (VCV003685304.2).